The following is an entry in ClinVar:

ClinVar aggregate classification (germline): Conflicting classifications of pathogenicity. Review status: criteria provided, conflicting classifications (1 of 4 stars). 2 submissions from 2 submitters: Likely pathogenic (1); Uncertain significance (1). Last evaluated 2024-08-08.

Conditions:
Very long chain acyl-CoA dehydrogenase deficiency (ACADVLD). Also called: Very Long-Chain Acyl-Coenzyme A Dehydrogenase Deficiency; VLCAD Deficiency. Identifiers: Orphanet 26793, MedGen C3887523, MONDO:0008723, OMIM 201475.

Allele frequency attached by ClinVar (database versions not stated): gnomAD exomes below 0.00001.
gnomAD v4.1: 1 of 1,614,044 alleles (0.000062%); highest among the groups gnomAD compares: Admixed American, 0.0017%; no homozygotes.

Submissions (2):

Labcorp Genetics (formerly Invitae), Labcorp
Classification: Likely pathogenic for Very long chain acyl-CoA dehydrogenase deficiency. Last evaluated: 2024-08-08. Review status: criteria provided, single submitter. Criteria: Invitae Variant Classification Sherloc (09022015). Collection method: clinical testing. Allele origin: germline.
Comment: This sequence change replaces glycine, which is neutral and non-polar, with serine, which is neutral and polar, at codon 441 of the ACADVL protein (p.Gly441Ser). This variant is not present in population databases (gnomAD no frequency). This variant has not been reported in the literature in individuals affected with ACADVL-related conditions. ClinVar contains an entry for this variant (Variation ID: 932764). Advanced modeling of protein sequence and biophysical properties (such as structural, functional, and spatial information, amino acid conservation, physicochemical variation, residue mobility, and thermodynamic stability) performed at Invitae indicates that this missense variant is expected to disrupt ACADVL protein function with a positive predictive value of 95%. This variant disrupts the p.Gly441 amino acid residue in ACADVL. Other variant(s) that disrupt this residue have been determined to be pathogenic (PMID: 8845838, 16443431, 17999356, 24305961, 25834949). This suggests that this residue is clinically significant, and that variants that disrupt this residue are likely to be disease-causing. In summary, the currently available evidence indicates that the variant is pathogenic, but additional data are needed to prove that conclusively. Therefore, this variant has been classified as Likely Pathogenic.

Wong Mito Lab, Molecular and Human Genetics, Baylor College of Medicine
Classification: Uncertain significance for Very long chain acyl-CoA dehydrogenase deficiency. Last evaluated: 2019-11-01. Review status: criteria provided, single submitter. Criteria: ACMG Guidelines, 2015. Collection method: clinical testing. Allele origin: germline.
Comment: The NM_000018.3:c.1321G>A (NP_000009.1:p.Gly441Ser) [GRCH38: NC_000017.11:g.7223864G>A] variant in ACADVL gene is interpretated to be Uncertain Significance based on ACMG guidelines (PMID: 25741868). This variant has been reported. This variant meets the following evidence codes reported in the ACMG guidelines: PM5, PP3

Literature cited by the submitters: PubMed 8845838 (cited by Labcorp Genetics (formerly Invitae), Labcorp); PubMed 16443431 (cited by Labcorp Genetics (formerly Invitae), Labcorp); PubMed 17999356 (cited by Labcorp Genetics (formerly Invitae), Labcorp); PubMed 24305961 (cited by Labcorp Genetics (formerly Invitae), Labcorp); PubMed 25834949 (cited by Labcorp Genetics (formerly Invitae), Labcorp).

NM_000018.4(ACADVL):c.1321G>A (p.Gly441Ser)

Gene: ACADVL (acyl-CoA dehydrogenase very long chain; plus strand). Cytogenetic location: 17p13.1.
Variant type: single nucleotide variant.
Coding change: c.1321G>A on transcript NM_000018.4 (MANE Select); coding-DNA position 1321, G replaced by A.
Protein change: p.Gly441Ser; replaces glycine 441 with serine.
Molecular consequence: missense variant.
Genome position (GRCh38, 1-based): chr17:7,223,864, G>A. VCF-style: chr17-7223864-G-A. GRCh37 (hg19) VCF-style: chr17-7127183-G-A.
Other names: c.1255G>A, p.Gly419Ser (NM_001033859.3); c.1390G>A, p.Gly464Ser (NM_001270447.2); c.1093G>A, p.Gly365Ser (NM_001270448.2); short protein forms G365S, G464S, G419S, G441S.
Identifiers: ClinVar variation 932764 (VCV000932764.5), dbSNP rs2071346777, ClinGen allele CA397724862.